The following is an entry in ClinVar:

NM_001079858.3(ADGRG2):c.1618G>A (p.Val540Ile)

Gene: ADGRG2 (adhesion G protein-coupled receptor G2; minus strand). Cytogenetic location: Xp22.13.
Variant type: single nucleotide variant.
Coding change: c.1618G>A on transcript NM_001079858.3 (MANE Select); coding-DNA position 1618, G replaced by A.
Protein change: p.Val540Ile; replaces valine 540 with isoleucine.
Molecular consequence: missense variant.
Genome position (GRCh38, 1-based): chrX:19,007,306, C>T on the plus strand (G>A on the coding strand, the complement: ADGRG2 is on the minus strand). VCF-style: chrX-19007306-C-T. GRCh37 (hg19) VCF-style: chrX-19025424-C-T.
Other names: c.1576G>A, p.Val526Ile (NM_001079859.3); c.1552G>A, p.Val518Ile (NM_001079860.3); c.1570G>A, p.Val524Ile (NM_001184833.2); c.1618G>A, p.Val540Ile (NM_001184834.2); c.1504G>A, p.Val502Ile (NM_001184835.2); c.1546G>A, p.Val516Ile (NM_001184836.2); c.1528G>A, p.Val510Ile (NM_001184837.2); c.1609G>A, p.Val537Ile (NM_005756.4); short protein forms V518I, V502I, V537I, V510I, V516I, V526I, V540I, V524I.
Identifiers: ClinVar variation 1028509 (VCV001028509.1), dbSNP rs2060256465, ClinGen allele CA412393421.

ClinVar aggregate classification (germline): Uncertain significance (1 of 4 stars; one submission).

Conditions:
Vas deferens, congenital bilateral aplasia of, X-linked (CBAVDX). Also called: Congenital bilateral absence of vas deferens, X-linked. Identifiers: MedGen C4310815, MONDO:0010511, OMIM 300985.

Allele frequency attached by ClinVar (database versions not stated): TOPMed 0.00001; gnomAD exomes 0.00003.
gnomAD v4.1: 36 of 1,207,046 alleles (0.003%); highest among the groups gnomAD compares: Middle Eastern, 0.71%; 1 homozygote.

Submission:

Baylor Genetics
Classification: Uncertain significance for Vas deferens, congenital bilateral aplasia of, X-linked. Last evaluated: 2019-09-02. Review status: criteria provided, single submitter. Criteria: ACMG Guidelines, 2015. Collection method: clinical testing. Allele origin: unknown. Affected: yes.
Comment: This variant was determined to be of uncertain significance according to ACMG Guidelines, 2015 [PMID:25741868].